The following is an entry in ClinVar:

ClinVar aggregate classification (germline): Conflicting classifications of pathogenicity. Review status: criteria provided, conflicting classifications (1 of 4 stars). 8 submissions from 8 submitters: Uncertain significance (1); Likely benign (6). 1 of the submissions does not count toward it. Last evaluated 2026-02-01.

Conditions:
NOTCH1-related disorder. Also called: NOTCH1-related condition; NOTCH1-related disorders.
Adams-Oliver syndrome 5 (AOS5). Identifiers: Orphanet 974, MedGen C4014970, MONDO:0014459, OMIM 616028.
Familial thoracic aortic aneurysm and aortic dissection (TAAD). Also called: Thoracic aortic aneurysms and dissections. Identifiers: Orphanet 91387, MedGen C4707243, MONDO:0019625.

Allele frequency attached by ClinVar (database versions not stated): gnomAD 0.00010; TOPMed 0.00026; 1000 Genomes Project 30x 0.00031.
gnomAD v4.1: 226 of 1,585,884 alleles (0.014%); highest among the groups gnomAD compares: Admixed American, 0.15%; no homozygotes.

Submissions (8):

Labcorp Genetics (formerly Invitae), Labcorp
Classification: Likely benign for Adams-Oliver syndrome 5. Last evaluated: 2026-02-01. Review status: criteria provided, single submitter. Criteria: Invitae Variant Classification Sherloc (09022015). Collection method: clinical testing. Allele origin: germline.

Women's Health and Genetics/Laboratory Corporation of America, LabCorp
Classification: Likely benign. Last evaluated: 2025-05-15. Review status: criteria provided, single submitter. Criteria: LabCorp Variant Classification Summary - May 2015. Collection method: clinical testing. Allele origin: germline.

Revvity Omics, Revvity
Classification: Uncertain significance. Last evaluated: 2024-09-27. Review status: criteria provided, single submitter. Criteria: ACMG Guidelines, 2015. Collection method: clinical testing. Allele origin: germline.

Blueprint Genetics
Classification: Likely benign. Last evaluated: 2024-09-06. Review status: criteria provided, single submitter. Criteria: ACMG Guidelines, 2015. Collection method: clinical testing. Allele origin: germline.

Ambry Genetics
Classification: Likely benign for Familial thoracic aortic aneurysm and aortic dissection. Last evaluated: 2024-01-19. Review status: criteria provided, single submitter. Criteria: Ambry Variant Classification Scheme 2023. Collection method: clinical testing. Allele origin: germline.

ARUP Laboratories, Molecular Genetics and Genomics, ARUP Laboratories
Classification: Likely benign. Last evaluated: 2023-08-25. Review status: criteria provided, single submitter. Criteria: ARUP Molecular Germline Variant Investigation Process 2024. Collection method: clinical testing. Allele origin: germline.

GeneDx
Classification: Likely benign. Last evaluated: 2018-01-22. Review status: criteria provided, single submitter. Criteria: GeneDx Variant Classification (06012015). Collection method: clinical testing. Allele origin: germline. Affected: yes.
Comment: This variant is considered likely benign or benign based on one or more of the following criteria: it is a conservative change, it occurs at a poorly conserved position in the protein, it is predicted to be benign by multiple in silico algorithms, and/or has population frequency not consistent with disease.

PreventionGenetics, part of Exact Sciences
Classification: Likely benign for NOTCH1-related condition. Last evaluated: 2019-11-11. Review status: no assertion criteria provided. Collection method: clinical testing. Allele origin: germline. Not counted in ClinVar's aggregate classification.
Comment: This variant is classified as likely benign based on ACMG/AMP sequence variant interpretation guidelines (Richards et al. 2015 PMID: 25741868, with internal and published modifications).

Literature cited by the submitters: PubMed 24943832 (cited by Women's Health and Genetics/Laboratory Corporation of America, LabCorp); PubMed 16614245 (cited by Women's Health and Genetics/Laboratory Corporation of America, LabCorp); PubMed 21670202 (cited by Women's Health and Genetics/Laboratory Corporation of America, LabCorp); PubMed 22210878 (cited by Women's Health and Genetics/Laboratory Corporation of America, LabCorp); PubMed 19635999 (cited by Women's Health and Genetics/Laboratory Corporation of America, LabCorp); PubMed 26837699 (cited by Women's Health and Genetics/Laboratory Corporation of America, LabCorp); PubMed 23086750 (cited by Women's Health and Genetics/Laboratory Corporation of America, LabCorp); PubMed 19245433 (cited by Women's Health and Genetics/Laboratory Corporation of America, LabCorp); PubMed 22077063 (cited by Women's Health and Genetics/Laboratory Corporation of America, LabCorp); PubMed 15472075 (cited by Women's Health and Genetics/Laboratory Corporation of America, LabCorp); PubMed 23734977 (cited by Women's Health and Genetics/Laboratory Corporation of America, LabCorp); PubMed 22858860 (cited by Women's Health and Genetics/Laboratory Corporation of America, LabCorp).

NM_017617.5(NOTCH1):c.4096G>A (p.Gly1366Ser)

Gene: NOTCH1 (notch receptor 1; minus strand). Cytogenetic location: 9q34.3.
Variant type: single nucleotide variant.
Coding change: c.4096G>A on transcript NM_017617.5 (MANE Select); coding-DNA position 4096, G replaced by A.
Protein change: p.Gly1366Ser; replaces glycine 1366 with serine.
Molecular consequence: missense variant.
Genome position (GRCh38, 1-based): chr9:136,505,800, C>T on the plus strand (G>A on the coding strand, the complement: NOTCH1 is on the minus strand). VCF-style: chr9-136505800-C-T. GRCh37 (hg19) VCF-style: chr9-139400252-C-T.
Other names: c.4096G>A, p.Gly1366Ser (LRG_1122t1); c.4096G>A (NM_017617.4); short protein forms G1366S.
Identifiers: ClinVar variation 241140 (VCV000241140.21), dbSNP rs778270588, ClinGen allele CA5340688.